The following is an entry in ClinVar:

NM_006767.4(LZTR1):c.2413_2414del (p.Lys805fs)

Gene: LZTR1 (leucine zipper like post translational regulator 1; plus strand). Cytogenetic location: 22q11.21.
Variant type: Deletion.
Coding change: c.2413_2414del on transcript NM_006767.4 (MANE Select); coding-DNA positions 2413 to 2414, 2 bases deleted (AA; older notation c.2413_2414delAA).
Protein change: p.Lys805fs; shifts the reading frame from lysine 805.
Molecular consequence: frameshift variant.
Genome position (GRCh38, 1-based): chr22:20,997,238-20,997,239, AA deleted. VCF-style (leftmost placement, unchanged base first): chr22-20997237-CAA-C. GRCh37 (hg19) VCF-style: chr22-21351526-CAA-C.
Other names: short protein forms K805fs.
Identifiers: ClinVar variation 2447751 (VCV002447751.2), dbSNP rs2518626611, ClinGen allele CA2580099338.
Genomic context (GRCh38, chr22:20,997,237, plus strand): 5'-CCATGGCCCTTAGGTGGATCTGGTCCCATCTCCTTCCGGCCTGCTTGCCTTACAGGTCTC[CAA>C]GTTGCCCACCCTGCGGTCGCTGAGCCAGCAGCTGCTGCTGGACATCATAGACTCCCTGGC-3'

ClinVar aggregate classification (germline): Uncertain significance (1 of 4 stars; one submission).

Conditions:
Cardiovascular phenotype. Identifiers: MedGen CN230736.
Hereditary cancer-predisposing syndrome. Also called: Neoplastic Syndromes, Hereditary; Hereditary Cancer Syndrome; Tumor predisposition; Hereditary neoplastic syndrome. Identifiers: Orphanet 140162, MedGen C0027672, MeSH D009386, MONDO:0015356.

Submission:

Ambry Genetics
Classification: Uncertain significance for Cardiovascular phenotype; Hereditary cancer-predisposing syndrome. Last evaluated: 2023-02-16. Review status: criteria provided, single submitter. Criteria: Ambry Variant Classification Scheme 2023. Collection method: clinical testing. Allele origin: germline.
Comment: The c.2413_2414delAA variant, located in coding exon 21 of the LZTR1 gene, results from a deletion of two nucleotides at nucleotide positions 2413 to 2414, causing a translational frameshift with a predicted alternate stop codon (p.K805Vfs*45). This alteration occurs at the 3' terminus of theLZTR1 gene, is not expected to trigger nonsense-mediated mRNAdecay, and results in the elongation of the protein by 8 amino acids. This frameshift impacts the last 36 amino acids of the native protein. The exact functional effect of this alteration is unknown. This variant is considered to be rare based on population cohorts in the Genome Aggregation Database (gnomAD). Since supporting evidence is limited at this time, the clinical significance of this alteration remains unclear.